The following is an entry in ClinVar:

NM_007194.4(CHEK2):c.289T>C (p.Trp97Arg)

Gene: CHEK2 (checkpoint kinase 2; minus strand). Cytogenetic location: 22q12.1.
Variant type: single nucleotide variant.
Coding change: c.289T>C on transcript NM_007194.4 (MANE Select); coding-DNA position 289, T replaced by C.
Protein change: p.Trp97Arg; replaces tryptophan 97 with arginine.
Molecular consequence: missense variant.
Genome position (GRCh38, 1-based): chr22:28,734,433, A>G on the plus strand (T>C on the coding strand, the complement: CHEK2 is on the minus strand). VCF-style: chr22-28734433-A-G. GRCh37 (hg19) VCF-style: chr22-29130421-A-G.
Other names: c.289T>C, p.Trp97Arg (NM_001005735.3, NM_001349956.3, NM_145862.3); c.-489T>C (NM_001257387.3); short protein forms W97R.
Identifiers: ClinVar variation 1053392 (VCV001053392.12), dbSNP rs2054312729, ClinGen allele CA411090334.
Genomic context (GRCh38, chr22:28,734,433, plus strand): 5'-AACGTGATACTATACAACAAAGGGTCTTACCAAGATTGGCAAATCCATCCTGAAGGGCCC[A>G]TAATCGAGCCCAGGGGGCAGGGGTAGGCTCCTCAGGTTCTTGGTCCTCAGGTTCTTGGTC-3'
Protein context (NP_009125.1, residues 87-107): EPTPAPWARL[Trp97Arg]ALQDGFANLE

ClinVar aggregate classification (germline): Uncertain significance. Review status: criteria provided, multiple submitters, no conflicts (2 of 4 stars). 2 submissions from 2 submitters: Uncertain significance (2). Last evaluated 2022-03-21.

Conditions:
Hereditary cancer-predisposing syndrome. Also called: Tumor predisposition; Hereditary neoplastic syndrome; Hereditary Cancer Syndrome; Neoplastic Syndromes, Hereditary. Identifiers: Orphanet 140162, MedGen C0027672, MeSH D009386, MONDO:0015356.
Familial cancer of breast. Also called: BREAST CANCER, FAMILIAL; Hereditary breast cancer; hereditary breast carcinoma. Identifiers: Orphanet 227535, MedGen C0346153, MONDO:0016419, OMIM 114480. Disease mechanism: loss of function.

Allele frequency attached by ClinVar (database versions not stated): gnomAD exomes below 0.00001.
gnomAD v4.1: 2 of 1,614,084 alleles (0.00012%); highest among the groups gnomAD compares: East Asian, 0.0022%; no homozygotes.

Submissions (2):

Ambry Genetics
Classification: Uncertain significance for Hereditary cancer-predisposing syndrome. Last evaluated: 2022-03-21. Review status: criteria provided, single submitter. Criteria: Ambry Variant Classification Scheme 2023. Collection method: clinical testing. Allele origin: germline.
Comment: The p.W97R variant (also known as c.289T>C), located in coding exon 1 of the CHEK2 gene, results from a T to C substitution at nucleotide position 289. The tryptophan at codon 97 is replaced by arginine, an amino acid with dissimilar properties. This amino acid position is conserved. In addition, this alteration is predicted to be deleterious by in silico analysis. Since supporting evidence is limited at this time, the clinical significance of this alteration remains unclear.

Labcorp Genetics (formerly Invitae), Labcorp
Classification: Uncertain significance for Familial cancer of breast. Last evaluated: 2020-07-26. Review status: criteria provided, single submitter. Criteria: Invitae Variant Classification Sherloc (09022015). Collection method: clinical testing. Allele origin: germline.
Comment: In summary, the available evidence is currently insufficient to determine the role of this variant in disease. Therefore, it has been classified as a Variant of Uncertain Significance. Algorithms developed to predict the effect of missense changes on protein structure and function are either unavailable or do not agree on the potential impact of this missense change (SIFT: "Deleterious"; PolyPhen-2: "Benign"; Align-GVGD: "Class C15"). This variant has not been reported in the literature in individuals with CHEK2-related conditions. This variant is not present in population databases (ExAC no frequency). This sequence change replaces tryptophan with arginine at codon 97 of the CHEK2 protein (p.Trp97Arg). The tryptophan residue is highly conserved and there is a moderate physicochemical difference between tryptophan and arginine.